The following is an entry in ClinVar:

NM_001165963.4(SCN1A):c.3618C>A (p.Asn1206Lys)

Genes: SCN1A (sodium voltage-gated channel alpha subunit 1; minus strand), LOC102724058 (uncharacterized LOC102724058; plus strand). Cytogenetic location: 2q24.3.
Variant type: single nucleotide variant.
Coding change: c.3618C>A on transcript NM_001165963.4 (MANE Select); coding-DNA position 3618, C replaced by A.
Protein change: p.Asn1206Lys; replaces asparagine 1206 with lysine.
Molecular consequence: missense variant. On other transcripts: non-coding transcript variant (1).
Genome position (GRCh38, 1-based): chr2:166,013,831, G>T on the plus strand (C>A on the coding strand, the complement: SCN1A is on the minus strand). VCF-style: chr2-166013831-G-T. GRCh37 (hg19) VCF-style: chr2-166870341-G-T.
Other names: c.3534C>A, p.Asn1178Lys (NM_001165964.3, NM_001353957.2, NM_001353958.2); c.3618C>A, p.Asn1206Lys (NM_001202435.3, NM_001353948.2); c.3585C>A, p.Asn1195Lys (NM_001353949.2, NM_001353950.2, NM_001353951.2 and 2 more transcripts); c.3582C>A, p.Asn1194Lys (NM_001353954.2, NM_001353955.2); c.3531C>A, p.Asn1177Lys (NM_001353960.2); c.1176C>A, p.Asn392Lys (NM_001353961.2); short protein forms N1195K, N1206K, N1178K, N1194K, N1177K, N392K.
Identifiers: ClinVar variation 453070 (VCV000453070.7), dbSNP rs762734890, ClinGen allele CA349056124.

ClinVar aggregate classification (germline): Uncertain significance. Review status: criteria provided, multiple submitters, no conflicts (2 of 4 stars). 2 submissions from 2 submitters: Uncertain significance (2). Last evaluated 2025-02-27.

Conditions:
Early-infantile DEE. Also called: Early infantile epileptic encephalopathy with suppression bursts; Ohtahara syndrome; Early infantile epileptic encephalopathy. Identifiers: Orphanet 1934, MedGen C0393706, MONDO:0800491.

gnomAD v4.1: 2 of 1,612,370 alleles (0.00012%); highest among the groups gnomAD compares: Non-Finnish European, 0.000085%; no homozygotes.

Submissions (2):

GeneDx
Classification: Uncertain significance. Last evaluated: 2025-02-27. Review status: criteria provided, single submitter. Criteria: GeneDx Variant Classification Process June 2021. Collection method: clinical testing. Allele origin: germline. Affected: yes.
Comment: Not observed at significant frequency in large population cohorts (gnomAD); In silico analysis supports that this missense variant has a deleterious effect on protein structure/function; This substitution is predicted to be within the cytoplasmic loop between the second and third homologous domains; Has not been previously published as pathogenic or benign to our knowledge

Labcorp Genetics (formerly Invitae), Labcorp
Classification: Uncertain significance for Early-infantile DEE. Last evaluated: 2022-09-23. Review status: criteria provided, single submitter. Criteria: Invitae Variant Classification Sherloc (09022015). Collection method: clinical testing. Allele origin: germline.
Comment: This sequence change replaces asparagine, which is neutral and polar, with lysine, which is basic and polar, at codon 1206 of the SCN1A protein (p.Asn1206Lys). This variant is not present in population databases (gnomAD no frequency). This variant has not been reported in the literature in individuals affected with SCN1A-related conditions. ClinVar contains an entry for this variant (Variation ID: 453070). Advanced modeling of protein sequence and biophysical properties (such as structural, functional, and spatial information, amino acid conservation, physicochemical variation, residue mobility, and thermodynamic stability) performed at Invitae indicates that this missense variant is not expected to disrupt SCN1A protein function. In summary, the available evidence is currently insufficient to determine the role of this variant in disease. Therefore, it has been classified as a Variant of Uncertain Significance.